The following is an entry in ClinVar:

NM_000089.4(COL1A2):c.1089+1G>A

Gene: COL1A2 (collagen type I alpha 2 chain; plus strand). Cytogenetic location: 7q21.3.
Variant type: single nucleotide variant.
Coding change: c.1089+1G>A on transcript NM_000089.4 (MANE Select); the canonical splice donor site of the intron after coding-DNA position 1089, G replaced by A.
Molecular consequence: splice donor variant.
Genome position (GRCh38, 1-based): chr7:94,410,296, G>A. VCF-style: chr7-94410296-G-A. GRCh37 (hg19) VCF-style: chr7-94039608-G-A.
Identifiers: ClinVar variation 2085234 (VCV002085234.4), dbSNP rs2484709149, ClinGen allele CA368221126.
Genomic context (GRCh38, chr7:94,410,296, plus strand): 5'-CCCTAGGGTGAGCCTGGTCCAGCTGGCTCCAAAGGAGAGAGCGGTAACAAGGGTGAGCCC[G>A]TAAGTAGCTCTATCATCACACTTTTATAAAGTTAATTGTTTTTCTCATTCCAGTTTCTCC-3'

ClinVar aggregate classification (germline): Likely pathogenic (1 of 4 stars; one submission).

Conditions:
Ehlers-Danlos syndrome, classic type, 1 (EDSCL1). Also called: EHLERS-DANLOS SYNDROME, GRAVIS TYPE; EHLERS-DANLOS SYNDROME, SEVERE CLASSIC TYPE; Ehlers-Danlos syndrome, type 1; EDS I; Ehlers-Danlos Syndrome, Classic Type, COL5A1-Related. Identifiers: MedGen C0268335, MONDO:0019567, OMIM 130000.
Osteogenesis imperfecta type I (OI1). Also called: OI, TYPE I; OSTEOGENESIS IMPERFECTA TARDA; OSTEOGENESIS IMPERFECTA WITH BLUE SCLERAE; Osteogenesis imperfecta type 1; Lobstein's Disease; Lobstein disease. Identifiers: Orphanet 216796, Orphanet 666, MedGen C0023931, MONDO:0008146, OMIM 166200. Disease mechanism: loss of function.

Allele frequency attached by ClinVar (database versions not stated): gnomAD exomes below 0.00001.
gnomAD v4.1: 4 of 1,613,940 alleles (0.00025%); highest among the groups gnomAD compares: Non-Finnish European, 0.00034%; no homozygotes.

Submission:

Labcorp Genetics (formerly Invitae), Labcorp
Classification: Likely pathogenic for Osteogenesis imperfecta type I; Ehlers-Danlos syndrome, classic type, 1. Last evaluated: 2022-07-21. Review status: criteria provided, single submitter. Criteria: Invitae Variant Classification Sherloc (09022015). Collection method: clinical testing. Allele origin: germline.
Comment: In summary, the currently available evidence indicates that the variant is pathogenic, but additional data are needed to prove that conclusively. Therefore, this variant has been classified as Likely Pathogenic. Algorithms developed to predict the effect of sequence changes on RNA splicing suggest that this variant may disrupt the consensus splice site. This variant has not been reported in the literature in individuals affected with COL1A2-related conditions. This variant is not present in population databases (gnomAD no frequency). This sequence change affects a donor splice site in intron 20 of the COL1A2 gene. It is expected to disrupt RNA splicing. Variants that disrupt the donor or acceptor splice site typically lead to a loss of protein function (PMID: 16199547), and loss-of-function variants in COL1A2 are known to be pathogenic (PMID: 11288717, 15077201).

Literature cited by the submitters: PubMed 16199547; PubMed 11288717; PubMed 15077201.